The following is an entry in ClinVar:

ClinVar aggregate classification (germline): Conflicting classifications of pathogenicity. Review status: criteria provided, conflicting classifications (1 of 4 stars). 21 submissions from 17 submitters: Uncertain significance (1); Benign (11); Likely benign (6). 3 of the submissions do not count toward it. Last evaluated 2026-08-01.

Conditions:
Dilated cardiomyopathy 1G (CMD1G). Identifiers: Orphanet 154, MedGen C1858763, MONDO:0011400, OMIM 604145.
Autosomal recessive limb-girdle muscular dystrophy type 2J (LGMDR10). Also called: MUSCULAR DYSTROPHY, LIMB-GIRDLE, AUTOSOMAL RECESSIVE 10; Limb-girdle muscular dystrophy, type 2J. Identifiers: Orphanet 140922, MedGen C1837342, MONDO:0012127, OMIM 608807.
Cardiomyopathy (CMYO). Also called: Cardiomyopathies. Identifiers: Orphanet 167848, MedGen C0878544, MONDO:0004994, HP:0001638. Inheritance: Various modes of inheritance.
Early-onset myopathy with fatal cardiomyopathy (CMYO5). Also called: CONGENITAL MYOPATHY 5 WITH CARDIOMYOPATHY; Salih Myopathy. Identifiers: Orphanet 289377, MedGen C2673677, MONDO:0012714, OMIM 611705. Disease mechanism: loss of function.
Myopathy, myofibrillar, 9, with early respiratory failure (MFM9). Also called: Myopathy, distal, with early respiratory failure, autosomal dominant; Hereditary myopathy with early respiratory failure; MYOPATHY, PROXIMAL, WITH EARLY RESPIRATORY MUSCLE INVOLVEMENT; EDSTROM MYOPATHY. Identifiers: Orphanet 178464, Orphanet 34521, MedGen C1863599, MONDO:0011362, OMIM 603689.
Tibial muscular dystrophy (TMD). Also called: Udd Distal Myopathy – Tibial Muscular Dystrophy; Tibial muscular dystrophy, tardive; UDD MYOPATHY. Identifiers: Orphanet 609, MedGen C1838244, MONDO:0010870, OMIM 600334.

Allele frequency attached by ClinVar (database versions not stated): 1000 Genomes Project 0.00399; 1000 Genomes Project 30x 0.00484; ExAC 0.00145; gnomAD 0.00491 and 0.00458; TOPMed 0.00500; ESP Exome Variant Server 0.00531; gnomAD exomes 0.00040 and 0.00110.
gnomAD v4.1: 1,313 of 1,613,604 alleles (0.081%); highest among the groups gnomAD compares: African/African-American, 1.6%; 8 homozygotes.

Submissions (21):

CeGaT Center for Human Genetics Tuebingen
Classification: Likely benign. Last evaluated: 2026-08-01. Review status: criteria provided, single submitter. Criteria: CeGaT Center For Human Genetics Tuebingen Variant Classification Criteria Version 2. Collection method: clinical testing. Allele origin: germline. Affected: yes. Observed: 1 variant allele.
Comment: TTN: BS1

Labcorp Genetics (formerly Invitae), Labcorp
Classification: Benign for Dilated cardiomyopathy 1G; Autosomal recessive limb-girdle muscular dystrophy type 2J. Last evaluated: 2026-02-03. Review status: criteria provided, single submitter. Criteria: Invitae Variant Classification Sherloc (09022015). Collection method: clinical testing. Allele origin: germline.

Molecular Diagnostic Laboratory for Inherited Cardiovascular Disease, Montreal Heart Institute
Classification: Likely benign. Last evaluated: 2025-04-09. Review status: criteria provided, single submitter. Criteria: ACMG Guidelines, 2015. Collection method: clinical testing. Allele origin: germline. Affected: no.

Mayo Clinic Laboratories, Mayo Clinic
Classification: Likely benign. Last evaluated: 2025-02-04. Review status: criteria provided, single submitter. Criteria: ACMG Guidelines, 2015. Collection method: clinical testing. Allele origin: germline. Observed: 17 variant alleles.
Comment: BA1

Athena Diagnostics
Classification: Benign. Last evaluated: 2024-10-16. Review status: criteria provided, single submitter. Criteria: Athena Diagnostics Criteria. Collection method: clinical testing. Allele origin: unknown.

Blueprint Genetics
Classification: Likely benign. Last evaluated: 2024-08-28. Review status: criteria provided, single submitter. Criteria: ACMG Guidelines, 2015. Collection method: clinical testing. Allele origin: germline.

ARUP Laboratories, Molecular Genetics and Genomics, ARUP Laboratories
Classification: Benign. Last evaluated: 2024-06-21. Review status: criteria provided, single submitter. Criteria: ARUP Molecular Germline Variant Investigation Process 2024. Collection method: clinical testing. Allele origin: germline.

CHEO Genetics Diagnostic Laboratory, Children's Hospital of Eastern Ontario
Classification: Benign for Cardiomyopathy. Last evaluated: 2023-05-01. Review status: criteria provided, single submitter. Criteria: ACMG Guidelines, 2015. Collection method: clinical testing. Allele origin: germline.

Women's Health and Genetics/Laboratory Corporation of America, LabCorp
Classification: Likely benign. Last evaluated: 2020-10-17. Review status: criteria provided, single submitter. Criteria: LabCorp Variant Classification Summary - May 2015. Collection method: clinical testing. Allele origin: germline.

Illumina Laboratory Services, Illumina
Classification: Benign for Dilated cardiomyopathy 1G. Last evaluated: 2017-06-12. Review status: criteria provided, single submitter. Criteria: ICSL Variant Classification Criteria 13 December 2019. Collection method: clinical testing. Allele origin: germline.
Comment: This variant was observed as part of a predisposition screen in an ostensibly healthy population. A literature search was performed for the gene, cDNA change, and amino acid change (where applicable). Publications were found based on this search. The evidence from the literature, in combination with allele frequency data from public databases where available, was sufficient to rule this variant out of causing disease. Therefore, this variant is classified as benign.

Illumina Laboratory Services, Illumina
Classification: Benign for Tibial muscular dystrophy. Last evaluated: 2017-06-12. Review status: criteria provided, single submitter. Criteria: ICSL Variant Classification Criteria 13 December 2019. Collection method: clinical testing. Allele origin: germline.
Comment: This variant was observed as part of a predisposition screen in an ostensibly healthy population. A literature search was performed for the gene, cDNA change, and amino acid change (where applicable). No publications were found based on this search. Allele frequency data from public databases was too high to be consistent with this variant causing disease. Therefore, this variant is classified as benign.

Illumina Laboratory Services, Illumina
Classification: Benign for Myopathy, myofibrillar, 9, with early respiratory failure. Last evaluated: 2017-06-12. Review status: criteria provided, single submitter. Criteria: ICSL Variant Classification Criteria 13 December 2019. Collection method: clinical testing. Allele origin: germline.
Comment: the same text as in the submission from Illumina Laboratory Services, Illumina above.

Illumina Laboratory Services, Illumina
Classification: Likely benign for Early-onset myopathy with fatal cardiomyopathy. Last evaluated: 2017-06-12. Review status: criteria provided, single submitter. Criteria: ICSL Variant Classification Criteria 13 December 2019. Collection method: clinical testing. Allele origin: germline.
Comment: This variant was observed as part of a predisposition screen in an ostensibly healthy population. A literature search was performed for the gene, cDNA change, and amino acid change (where applicable). No publications were found based on this search. Allele frequency data from public databases allowed determination this variant is unlikely to cause disease. Therefore, this variant is classified as likely benign.

Eurofins Ntd Llc (ga)
Classification: Benign. Last evaluated: 2017-06-05. Review status: criteria provided, single submitter. Criteria: EGL Classification Definitions 2015. Collection method: clinical testing. Allele origin: germline. Observed: 3 variant alleles, 3 heterozygotes.

Illumina Laboratory Services, Illumina
Classification: Uncertain significance for Autosomal recessive limb-girdle muscular dystrophy type 2J. Last evaluated: 2017-04-27. Review status: criteria provided, single submitter. Criteria: ICSL Variant Classification Criteria 13 December 2019. Collection method: clinical testing. Allele origin: germline.

Biesecker Lab/Clinical Genomics Section, National Institutes of Health
Classification: Benign. Last evaluated: 2013-06-24. Review status: criteria provided, single submitter. Criteria: Ng et al. (Circ Cardiovasc Genet. 2013). Collection method: research. Allele origin: unknown. Observed: 1 variant allele. Study: ClinSeq.
Comment: The study set was not selected for affection status in relation to any cancer. Pathogenicity categories were based on literature curation. See Pubmed ID:23861362 for details.

Medical sequencing

GeneDx
Classification: Benign. Last evaluated: 2013-04-08. Review status: criteria provided, single submitter. Criteria: GeneDx Variant Classification (06012015). Collection method: clinical testing. Allele origin: germline. Affected: yes.
Comment: This variant is considered likely benign or benign based on one or more of the following criteria: it is a conservative change, it occurs at a poorly conserved position in the protein, it is predicted to be benign by multiple in silico algorithms, and/or has population frequency not consistent with disease.

Laboratory for Molecular Medicine, Mass General Brigham Personalized Medicine
Classification: Benign. Last evaluated: 2012-03-19. Review status: criteria provided, single submitter. Criteria: LMM Criteria. Collection method: clinical testing. Allele origin: germline. Observed: 13 variant alleles.
Comment: Ile5763Phe in exon 69 of TTN: This variant is not expected to have clinical sign ificance because it has been identified in 1.5% (48/3130) of African American ch romosomes from a broad population by the NHLBI Exome Sequencing Project (dbSNP rs114626713)

Clinical Genetics DNA and cytogenetics Diagnostics Lab, Erasmus MC, Erasmus Medical Center
Classification: Benign. Review status: no assertion criteria provided. Collection method: clinical testing. Allele origin: germline. Affected: yes. Study: VKGL Data-share Consensus. Not counted in ClinVar's aggregate classification.

Clinical Genetics, Academic Medical Center
Classification: Benign. Review status: no assertion criteria provided. Collection method: clinical testing. Allele origin: germline. Affected: yes. Study: VKGL Data-share Consensus. Not counted in ClinVar's aggregate classification.

Joint Genome Diagnostic Labs from Nijmegen and Maastricht, Radboudumc and MUMC+
Classification: Benign. Review status: no assertion criteria provided. Collection method: clinical testing. Allele origin: germline. Affected: yes. Study: VKGL Data-share Consensus. Not counted in ClinVar's aggregate classification.

Literature cited by the submitters: PubMed 25163546 (cited by Athena Diagnostics and Illumina Laboratory Services, Illumina); PubMed 29420653 (cited by Athena Diagnostics).

NM_001267550.2(TTN):c.21019A>T (p.Ile7007Phe)

Genes: TTN (titin; minus strand), LOC126806428 (BRD4-independent group 4 enhancer GRCh37_chr2:179588362-179589561; plus strand). Cytogenetic location: 2q31.2.
Variant type: single nucleotide variant.
Coding change: c.21019A>T on transcript NM_001267550.2 (MANE Select); coding-DNA position 21019, A replaced by T.
Protein change: p.Ile7007Phe; replaces isoleucine 7007 with phenylalanine.
Molecular consequence: missense variant. On other transcripts: intron variant (3).
Genome position (GRCh38, 1-based): chr2:178,724,356, T>A on the plus strand (A>T on the coding strand, the complement: TTN is on the minus strand). VCF-style: chr2-178724356-T-A. GRCh37 (hg19) VCF-style: chr2-179589083-T-A.
Other names: p.I6690F:ATT>TTT; c.20068A>T, p.Ile6690Phe (NM_001256850.1); c.17287A>T, p.Ile5763Phe (NM_133378.4); c.13282+13726A>T (NM_003319.4); c.13858+13726A>T (NM_133437.4); c.13657+13726A>T (NM_133432.3); short protein forms I7007F, I5763F, I6690F.
Identifiers: ClinVar variation 46679 (VCV000046679.42), dbSNP rs114626713, ClinGen allele CA282788.